The following is an entry in ClinVar:

ClinVar aggregate classification (germline): Uncertain significance (1 of 4 stars; one submission).

gnomAD v4.1: 4 of 1,536,336 alleles (0.00026%); highest among the groups gnomAD compares: Admixed American, 0.0078%; no homozygotes.

Submission:

GeneDx
Classification: Uncertain significance. Last evaluated: 2023-06-29. Review status: criteria provided, single submitter. Criteria: GeneDx Variant Classification Process June 2021. Collection method: clinical testing. Allele origin: germline. Affected: yes.
Comment: In silico analysis supports that this missense variant does not alter protein structure/function; Has not been previously published as pathogenic or benign to our knowledge

NM_001256071.3(RNF213):c.4054G>T (p.Ala1352Ser)

Gene: RNF213 (ring finger protein 213; plus strand). Cytogenetic location: 17q25.3.
Variant type: single nucleotide variant.
Coding change: c.4054G>T on transcript NM_001256071.3 (MANE Select); coding-DNA position 4054, G replaced by T.
Protein change: p.Ala1352Ser; replaces alanine 1352 with serine.
Molecular consequence: missense variant.
Genome position (GRCh38, 1-based): chr17:80,332,542, G>T. VCF-style: chr17-80332542-G-T. GRCh37 (hg19) VCF-style: chr17-78306342-G-T.
Other names: c.4201G>T, p.Ala1401Ser (NM_001410195.1, NM_020914.5); short protein forms A1352S, A1401S.
Identifiers: ClinVar variation 3360350 (VCV003360350.1).